The following is an entry in ClinVar:

ClinVar aggregate classification (germline): Uncertain significance (1 of 4 stars; one submission).

Conditions:
Duchenne muscular dystrophy (DMD). Also called: MUSCULAR DYSTROPHY, PSEUDOHYPERTROPHIC PROGRESSIVE, DUCHENNE TYPE; Duchenne Muscular Dystrophy (DMD). Identifiers: Orphanet 98896, MedGen C0013264, MONDO:0010679, OMIM 310200.

Submission:

Labcorp Genetics (formerly Invitae), Labcorp
Classification: Uncertain significance for Duchenne muscular dystrophy. Last evaluated: 2022-05-17. Review status: criteria provided, single submitter. Criteria: Invitae Variant Classification Sherloc (09022015). Collection method: clinical testing. Allele origin: germline.
Comment: Algorithms developed to predict the effect of sequence changes on RNA splicing suggest that this variant may disrupt the consensus splice site. In summary, the available evidence is currently insufficient to determine the role of this variant in disease. Therefore, it has been classified as a Variant of Uncertain Significance. This variant is also known as IVS36-9G>A. This sequence change falls in intron 36 of the DMD gene. It does not directly change the encoded amino acid sequence of the DMD protein. This variant is not present in population databases (gnomAD no frequency). This variant has been observed in individuals with DMD-related conditions (PMID: 16834926; Invitae).

Literature cited by the submitters: PubMed 16834926.

NM_004006.3(DMD):c.5155-9G>A

Gene: DMD (dystrophin; minus strand). Cytogenetic location: Xp21.1.
Variant type: single nucleotide variant.
Coding change: c.5155-9G>A on transcript NM_004006.3 (MANE Select); 9 bases into the intron before coding-DNA position 5155, G replaced by A.
Molecular consequence: intron variant.
Genome position (GRCh38, 1-based): chrX:32,362,967, C>T on the plus strand (G>A on the coding strand, the complement: DMD is on the minus strand). VCF-style: chrX-32362967-C-T. GRCh37 (hg19) VCF-style: chrX-32381084-C-T.
Other names: c.5131-9G>A (NM_000109.4); c.1132-9G>A (NM_004011.4); c.1123-9G>A (NM_004012.4); c.5143-9G>A (NM_004009.3); c.4786-9G>A (NM_004010.3).
Identifiers: ClinVar variation 2138510 (VCV002138510.4), dbSNP rs2147235476, ClinGen allele CA2580100650.